The following is an entry in ClinVar:

NM_001378454.1(ALMS1):c.4987A>C (p.Thr1663Pro)

Gene: ALMS1 (ALMS1 centrosome and basal body associated protein; plus strand). Cytogenetic location: 2p13.1.
Variant type: single nucleotide variant.
Coding change: c.4987A>C on transcript NM_001378454.1 (MANE Select); coding-DNA position 4987, A replaced by C.
Protein change: p.Thr1663Pro; replaces threonine 1663 with proline.
Molecular consequence: missense variant.
Genome position (GRCh38, 1-based): chr2:73,451,514, A>C. VCF-style: chr2-73451514-A-C. GRCh37 (hg19) VCF-style: chr2-73678641-A-C.
Other names: c.4990A>C, p.Thr1664Pro (NM_015120.4); short protein forms T1664P, T1663P.
Identifiers: ClinVar variation 1744597 (VCV001744597.6), dbSNP rs770424780, ClinGen allele CA347279674.

ClinVar aggregate classification (germline): Uncertain significance. Review status: criteria provided, multiple submitters, no conflicts (2 of 4 stars). 3 submissions from 3 submitters: Uncertain significance (3). Last evaluated 2025-07-09.

Conditions:
Alstrom syndrome (ALMS). Identifiers: Orphanet 64, MedGen C0268425, MONDO:0008763, OMIM 203800.
Cardiovascular phenotype. Identifiers: MedGen CN230736.

gnomAD v4.1: 4 of 1,613,672 alleles (0.00025%); highest among the groups gnomAD compares: Non-Finnish European, 0.00034%; no homozygotes.

Submissions (3):

Women's Health and Genetics/Laboratory Corporation of America, LabCorp
Classification: Uncertain significance. Last evaluated: 2025-07-09. Review status: criteria provided, single submitter. Criteria: LabCorp Variant Classification Summary - May 2015. Collection method: clinical testing. Allele origin: germline.

Labcorp Genetics (formerly Invitae), Labcorp
Classification: Uncertain significance for Alstrom syndrome. Last evaluated: 2022-10-17. Review status: criteria provided, single submitter. Criteria: Invitae Variant Classification Sherloc (09022015). Collection method: clinical testing. Allele origin: germline.
Comment: This sequence change replaces threonine, which is neutral and polar, with proline, which is neutral and non-polar, at codon 1664 of the ALMS1 protein (p.Thr1664Pro). This variant is not present in population databases (gnomAD no frequency). This variant has not been reported in the literature in individuals affected with ALMS1-related conditions. Experimental studies and prediction algorithms are not available or were not evaluated, and the functional significance of this variant is currently unknown. In summary, the available evidence is currently insufficient to determine the role of this variant in disease. Therefore, it has been classified as a Variant of Uncertain Significance.

Ambry Genetics
Classification: Uncertain significance for Cardiovascular phenotype. Last evaluated: 2022-09-01. Review status: criteria provided, single submitter. Criteria: Ambry Variant Classification Scheme 2023. Collection method: clinical testing. Allele origin: germline.
Comment: The p.T1664P variant (also known as c.4990A>C), located in coding exon 8 of the ALMS1 gene, results from an A to C substitution at nucleotide position 4990. The threonine at codon 1664 is replaced by proline, an amino acid with highly similar properties. This amino acid position is poorly conserved in available vertebrate species. In addition, this alteration is predicted to be tolerated by in silico analysis. Since supporting evidence is limited at this time, the clinical significance of this alteration remains unclear.